The following is an entry in ClinVar:

NM_030957.4(ADAMTS10):c.1994G>A (p.Arg665His)

Gene: ADAMTS10 (ADAM metallopeptidase with thrombospondin type 1 motif 10; minus strand). Cytogenetic location: 19p13.2.
Variant type: single nucleotide variant.
Coding change: c.1994G>A on transcript NM_030957.4 (MANE Select); coding-DNA position 1994, G replaced by A.
Protein change: p.Arg665His; replaces arginine 665 with histidine.
Molecular consequence: missense variant.
Genome position (GRCh38, 1-based): chr19:8,589,492, C>T on the plus strand (G>A on the coding strand, the complement: ADAMTS10 is on the minus strand). VCF-style: chr19-8589492-C-T. GRCh37 (hg19) VCF-style: chr19-8654376-C-T.
Other names: c.455G>A, p.Arg152His (NM_001282352.2); c.1994G>A (NM_030957.3); short protein forms R665H, R152H.
Identifiers: ClinVar variation 330593 (VCV000330593.9), dbSNP rs370179236, ClinGen allele CA9160284.
Genomic context (GRCh38, chr19:8,589,492, plus strand): 5'-TCCCTGGGAGTCCCCTCCACCTTGCATTCGCCACTGACGCAAATGTCCACCGTGTCTGGA[C>T]GGCAGGGTGTCCCGTCCACCACGGCTGCCGCCCTCTCCGTGTAGAAGTTGAAGCCTTCCG-3'
Protein context (NP_112219.3, residues 655-675): AAAVVDGTPC[Arg665His]PDTVDICVSG

ClinVar aggregate classification (germline): Conflicting classifications of pathogenicity. Review status: criteria provided, conflicting classifications (1 of 4 stars). 4 submissions from 4 submitters: Uncertain significance (3); Likely benign (1). Last evaluated 2024-09-20.

Conditions:
Weill-Marchesani syndrome. Also called: WM Syndrome; Mesodermal dysmorphodystrophy congenital. Identifiers: Orphanet 3449, MedGen C0265313, MONDO:0018096.
Weill-Marchesani syndrome 1 (WMS1). Also called: Weill-Marchesani Syndrome, Autosomal Recessive; Weill-Marchesani syndrome 1, recessive; ADAMTS10-Related Weill-Marchesani Syndrome. Identifiers: Orphanet 3449, MedGen C4552002, MONDO:0010194, OMIM 277600.

Allele frequency attached by ClinVar (database versions not stated): TOPMed 0.00008; gnomAD 0.00009; gnomAD exomes 0.00010 and 0.00014; ExAC 0.00011; ESP Exome Variant Server 0.00015.
gnomAD v4.1: 213 of 1,613,414 alleles (0.013%); highest among the groups gnomAD compares: Non-Finnish European, 0.017%; no homozygotes.

Submissions (4):

3billion
Classification: Likely benign for Weill-Marchesani syndrome 1. Last evaluated: 2024-09-20. Review status: criteria provided, single submitter. Criteria: ACMG Guidelines, 2015. Collection method: clinical testing. Allele origin: germline. Affected: no.
Comment: The homozygous variant was found in patients diagnosed with another variant in a different gene, with no symptoms related to the gene containing the homozygous variant.

GeneDx
Classification: Uncertain significance. Last evaluated: 2023-01-13. Review status: criteria provided, single submitter. Criteria: GeneDx Variant Classification Process June 2021. Collection method: clinical testing. Allele origin: germline. Affected: yes.
Comment: In silico analysis supports that this missense variant does not alter protein structure/function; Has not been previously published as pathogenic or benign to our knowledge

Labcorp Genetics (formerly Invitae), Labcorp
Classification: Uncertain significance. Last evaluated: 2022-08-22. Review status: criteria provided, single submitter. Criteria: Invitae Variant Classification Sherloc (09022015). Collection method: clinical testing. Allele origin: germline.
Comment: This sequence change replaces arginine, which is basic and polar, with histidine, which is basic and polar, at codon 665 of the ADAMTS10 protein (p.Arg665His). This variant is present in population databases (rs370179236, gnomAD 0.02%). This variant has not been reported in the literature in individuals affected with ADAMTS10-related conditions. ClinVar contains an entry for this variant (Variation ID: 330593). Algorithms developed to predict the effect of missense changes on protein structure and function (SIFT, PolyPhen-2, Align-GVGD) all suggest that this variant is likely to be disruptive. In summary, the available evidence is currently insufficient to determine the role of this variant in disease. Therefore, it has been classified as a Variant of Uncertain Significance.

Illumina Laboratory Services, Illumina
Classification: Uncertain significance for Weill-Marchesani syndrome. Last evaluated: 2018-01-13. Review status: criteria provided, single submitter. Criteria: ICSL Variant Classification Criteria 13 December 2019. Collection method: clinical testing. Allele origin: germline.